The following continues an entry in ClinVar:

NM_004004.6(GJB2):c.298C>T (p.His100Tyr)

Gene: GJB2. ClinVar aggregate classification (germline): Pathogenic/Likely pathogenic. Pathogenic (16); Likely pathogenic (1).

Submissions 13 to 21 of 21:

ARUP Laboratories, Molecular Genetics and Genomics, ARUP Laboratories
Classification: Pathogenic. Last evaluated: 2020-10-07. Review status: criteria provided, single submitter. Criteria: ARUP Molecular Germline Variant Investigation Process 2021. Collection method: clinical testing. Allele origin: germline.
Comment: The GJB2 c.298C>T; p.His100Tyr variant (rs143343083) has been reported multiple times in the literature in individuals with hearing loss who were compound heterozygous with another pathogenic GJB2 variant (Dodson 2011, Green 1999, Putcha 2007, Siemering 2006, Snoeckx 2005). Additionally, functional studies suggest the variant protein is unable to function properly as a homotypic gap junction (Kim 2016). This variant has also been reported to the ClinVar database (Variation ID: 158607). It is found in the general population with an overall allele frequency of 0.001% (3/250900 alleles) in the Genome Aggregation Database. The histidine at codon 100 is highly conserved, and computational analyses (SIFT, PolyPhen-2) predict that this variant is deleterious. Based on available information, this variant is considered to be pathogenic. REFERENCES Dodson KM et al. Vestibular dysfunction in DFNB1 deafness. Am J Med Genet A. 2011 May;155A(5):993-1000. Green GE et al. Carrier rates in the midwestern United States for GJB2 mutations causing inherited deafness. JAMA. 1999 Jun 16;281(23):2211-6. Kim HR et al. The pathological effects of connexin 26 variants related to hearing loss by in silico and in vitro analysis. Hum Genet. 2016 Mar;135(3):287-98. Putcha GV et al. A multicenter study of the frequency and distribution of GJB2 and GJB6 mutations in a large North American cohort. Genet Med. 2007 Jul;9(7):413-26. Siemering K et al. Detection of mutations in genes associated with hearing loss using a microarray-based approach. J Mol Diagn. 2006 Sep;8(4):483-9. Snoeckx RL et al. GJB2 mutations and degree of hearing loss: a multicenter study. Am J Hum Genet. 2005 Dec;77(6):945-57.

Revvity Omics, Revvity
Classification: Pathogenic. Last evaluated: 2019-02-27. Review status: criteria provided, single submitter. Criteria: ACMG Guidelines, 2015. Collection method: clinical testing. Allele origin: germline.

Women's Health and Genetics/Laboratory Corporation of America, LabCorp
Classification: Pathogenic for Deafness, autosomal recessive 1A. Last evaluated: 2017-09-11. Review status: criteria provided, single submitter. Criteria: LabCorp Variant Classification Summary - May 2015. Collection method: clinical testing. Allele origin: germline.
Comment: Variant summary: The GJB2 c.298C>T (p.His100Tyr) variant causes a missense change involving the alteration of a conserved nucleotide located in the Connexin, N-terminal domain (IPR013092) (InterPro). 2/4 in silico tools predict a benign outcome for this variant (SNPsandGO not captured due to low reliability index). A functional study showed lack of hemichannel permeability/conductivity associated with this variant (Kim_2016). The variant was found in the control population dataset of ExAC in 5/121260 control chromosomes at a frequency of 0.0000412, which does not exceed the estimated maximal expected allele frequency of a pathogenic GJB2 variant (0.025). This variant was reported in multiple patients with NSHL (Putcha_2007, Feldmann_2004, Lipan_2011, Burke_2016). In addition, multiple clinical diagnostic laboratories/reputable databases classified this variant as pathogenic. Taken together, this variant is classified as pathogenic.

Laboratory for Molecular Medicine, Mass General Brigham Personalized Medicine
Classification: Pathogenic for Rare genetic deafness. Last evaluated: 2016-03-22. Review status: criteria provided, single submitter. Criteria: LMM Criteria. Collection method: clinical testing. Allele origin: germline. Observed: 2 variant alleles.
Comment: The p.His100Tyr variant in GJB2 has been reported in >15 individuals with hearin g loss including >10 in the compound heterozygous state (Green 1999, Prasad 2000 , Pandya 2003, Feldmann 2004, Snoeckx 2005, Propst 2006, Tang 2006, Pollack 2007 , Putcha 2007, Siem 2010, Gordon 2011, Schimmenti 2011, Lipan 2011, Schimmenti 2 011). It has been identified in 3/66672 European chromosomes by the Exome Aggreg ation Consortium (ExAC; dbSNP rs143343083). Addi tional amino acid changes at this location (p.His100Pro, p.His100Leu, and p.His1 00Gln) have been reported in individuals with hearing loss, suggesting that a ch ange at this location may not be tolerated (Gardner 2006, Snoeckx 2005, Bartsch 2010). Computational prediction tools and conservation analysis suggest that thi s variant may impact the protein. In summary, this variant meets our criteria to be classified as pathogenic for hearing loss in an autosomal recessive manner.

Genetic Services Laboratory, University of Chicago
Classification: Pathogenic for Hearing impairment. Last evaluated: 2013-02-08. Review status: criteria provided, single submitter. Criteria: ACMG Guidelines, 2007. Collection method: clinical testing. Allele origin: germline. Inheritance: Autosomal recessive inheritance. Affected: yes.

PreventionGenetics, part of Exact Sciences
Classification: Pathogenic for GJB2-related condition. Last evaluated: 2024-08-30. Review status: no assertion criteria provided. Collection method: clinical testing. Allele origin: germline. Not counted in ClinVar's aggregate classification.
Comment: The GJB2 c.298C>T variant is predicted to result in the amino acid substitution p.His100Tyr. This variant has been reported as causative for autosomal recessive nonsyndromic hearing loss (Green et al. 1999. PubMed ID: 10376574; Dodson et al. 2011. PubMed ID: 21465647; Pollak et al. 2007. PubMed ID: 17935238; Pandya et al. 2003. PubMed ID: 12865758; Cheng et al. 2005. PubMed ID: 16222667; Snoeckx et al 2005. PubMed ID: 16380907; Lipan et al. 2011. PubMed ID: 21287563; Prasad et al. 2000. PubMed ID: 11102979). In vitro studies found this variant is nonfunctional as a homotypic gap junction (Kim et al. 2016. PubMed ID: 26749107). This variant is reported in 0.012% of alleles in individuals of African descent in gnomAD. This variant is interpreted as pathogenic.

Molecular Genetics Laboratory, BC Children's and BC Women's Hospitals
Classification: Pathogenic for nonsyndromic sensorineural hearing loss. Last evaluated: 2020-08-15. Review status: no assertion criteria provided. Criteria: ACMG Guidelines, 2015. Collection method: clinical testing. Allele origin: germline. Affected: yes. Not counted in ClinVar's aggregate classification.

Counsyl
Classification: Likely pathogenic for Deafness, autosomal recessive 1A. Last evaluated: 2014-09-19. Review status: no assertion criteria provided. Collection method: literature only. Allele origin: unknown. Inheritance: Autosomal recessive inheritance. Not counted in ClinVar's aggregate classification.

Clinical Molecular Genetics Laboratory, Johns Hopkins All Children's Hospital
Classification: Pathogenic for Hearing loss. Last evaluated: 2003-02-14. Review status: no assertion criteria provided. Collection method: clinical testing. Allele origin: germline. Affected: yes. Not counted in ClinVar's aggregate classification.

Literature cited by the submitters: PubMed 17041943 (cited by 6 submitters); PubMed 21287563 (cited by 6 submitters); PubMed 21465647 (cited by 6 submitters); PubMed 26749107 (cited by 5 submitters); PS3_Supporting: Well-established in vitro and in vivo functional studies supportive of damaging effect on the gene product, with low residual enzymatic activity relative to wild-type reported (PMID: 26749107) (cited by Otogenetics); PM2_Supporting: Maximum gnomAD MAF of 0.0123% in African (AFR) subpopulation (<0.185% threshold) (cited by Otogenetics); PM3_Strong: Variant reported in trans with three pathogenic variants in three individuals affected with non-syndromic hearing loss (PMID: 17041943, 21287563, 21465647) (cited by Otogenetics); PM5: Pathogenic missense amino acid changes occur in same position: c.299A>T p.His100Leu (PMID: 26749107) (cited by Otogenetics); PP3: In-silico models predict deleterious effect (Revel = 0.8, BayesDel = 0.43) (cited by Otogenetics); PubMed 21094084 (cited by 5 submitters); PubMed 20553101 (cited by 4 submitters); PubMed 18758381 (cited by Athena Diagnostics and Women's Health and Genetics/Laboratory Corporation of America, LabCorp); PubMed 17935238 (cited by 4 submitters); PubMed 17666888 (cited by 3 submitters); PubMed 16931589 (cited by Athena Diagnostics and Women's Health and Genetics/Laboratory Corporation of America, LabCorp); PubMed 16467727 (cited by Athena Diagnostics and Labcorp Genetics (formerly Invitae), Labcorp); PubMed 16222667 (cited by 3 submitters); PubMed 14694360 (cited by 5 submitters); PubMed 14681040 (cited by 3 submitters); PubMed 11216656 (cited by Athena Diagnostics and Women's Health and Genetics/Laboratory Corporation of America, LabCorp); PubMed 11102979 (cited by 6 submitters); PubMed 21912263 (cited by 3 submitters); PubMed 10376574 (cited by 3 submitters); PubMed 19371219 (cited by Variantyx, Inc.); PubMed 24256046 (cited by Variantyx, Inc.); PubMed 31160754 (cited by Variantyx, Inc.); PubMed 12865758 (cited by Laboratory for Molecular Medicine, Mass General Brigham Personalized Medicine); PubMed 16950989 (cited by Laboratory for Molecular Medicine, Mass General Brigham Personalized Medicine); PubMed 17146393 (cited by Laboratory for Molecular Medicine, Mass General Brigham Personalized Medicine and Counsyl); PubMed 16380907 (cited by Laboratory for Molecular Medicine, Mass General Brigham Personalized Medicine); PubMed 20234132 (cited by Laboratory for Molecular Medicine, Mass General Brigham Personalized Medicine).